The following is an entry in ClinVar:

ClinVar aggregate classification (germline): Likely pathogenic (1 of 4 stars; one submission).

Conditions:
Autosomal recessive limb-girdle muscular dystrophy type 2L (LGMDR12). Also called: Limb-girdle muscular dystrophy, type 2L; Limb-Girdle Muscular Dystrophy R12 Anoctamin-5-Related (LGMD-R12); MUSCULAR DYSTROPHY, LIMB-GIRDLE, AUTOSOMAL RECESSIVE 12. Identifiers: Orphanet 206549, MedGen C1969785, MONDO:0012652, OMIM 611307.

Allele frequency attached by ClinVar (database versions not stated): gnomAD exomes below 0.00001.
gnomAD v4.1: 1 of 1,613,852 alleles (0.000062%); highest among the groups gnomAD compares: Admixed American, 0.0017%; no homozygotes.

Submission:

Neuberg Centre For Genomic Medicine, NCGM
Classification: Likely pathogenic for Autosomal recessive limb-girdle muscular dystrophy type 2L. Review status: criteria provided, single submitter. Criteria: ACMG Guidelines, 2015. Collection method: clinical testing. Allele origin: germline. Inheritance: Autosomal recessive inheritance. Affected: yes.
Comment: The stop gained variant c.1707C>G (p.Tyr569Ter) in ANO5 gene has not been reported previously as a pathogenic variant nor as a benign variant, to our knowledge. The p.Tyr569Ter variant has allele frequency 0.0003% in gnomAD exomes and novel (not in any individuals) in 1000 Genomes. This variant has not been reported to the ClinVar database. The nucleotide change c.1707C>G in ANO5 is predicted as conserved by GERP++ and PhyloP across 100 vertebrates. This variant is predicted to cause loss of normal protein function through protein truncation. Loss of function variants have been previously reported to be disease causing. For these reasons, this variant has been classified as Likely Pathogenic. In the absence of second reportable variant/CNV, the molecular diagnosis is not confirmed.

NM_213599.3(ANO5):c.1707C>G (p.Tyr569Ter)

Gene: ANO5 (anoctamin 5; plus strand). Cytogenetic location: 11p14.3.
Variant type: single nucleotide variant.
Coding change: c.1707C>G on transcript NM_213599.3 (MANE Select); coding-DNA position 1707, C replaced by G.
Protein change: p.Tyr569Ter; replaces tyrosine 569 with a stop codon.
Molecular consequence: nonsense.
Genome position (GRCh38, 1-based): chr11:22,262,205, C>G. VCF-style: chr11-22262205-C-G. GRCh37 (hg19) VCF-style: chr11-22283751-C-G.
Other names: c.1704C>G, p.Tyr568Ter (NM_001142649.2); c.1665C>G, p.Tyr555Ter (NM_001410963.1); c.1662C>G, p.Tyr554Ter (NM_001410964.1); short protein forms Y555*, Y568*, Y554*, Y569*.
Identifiers: ClinVar variation 2584888 (VCV002584888.1), dbSNP rs1415324050, ClinGen allele CA379922646.